The following is an entry in ClinVar:

NM_015949.3(GET4):c.255G>A (p.Leu85=)

Gene: GET4 (guided entry of tail-anchored proteins factor 4; plus strand). Cytogenetic location: 7p22.3.
Variant type: single nucleotide variant.
Coding change: c.255G>A on transcript NM_015949.3 (MANE Select); coding-DNA position 255, G replaced by A.
Protein change: p.Leu85=; no amino-acid change (leucine 85 retained).
Molecular consequence: synonymous variant.
Genome position (GRCh38, 1-based): chr7:886,589, G>A. VCF-style: chr7-886589-G-A. GRCh37 (hg19) VCF-style: chr7-926226-G-A.
Identifiers: ClinVar variation 2657171 (VCV002657171.24), dbSNP rs147544126, ClinGen allele CA4112727.

ClinVar aggregate classification (germline): Likely benign (1 of 4 stars; one submission).

Allele frequency attached by ClinVar (database versions not stated): gnomAD exomes 0.00001; ExAC 0.00005; gnomAD 0.00012; ESP Exome Variant Server 0.00015.
gnomAD v4.1: 30 of 1,612,780 alleles (0.0019%); highest among the groups gnomAD compares: African/African-American, 0.039%; 1 homozygote.

Submission:

CeGaT Center for Human Genetics Tuebingen
Classification: Likely benign. Last evaluated: 2022-03-01. Review status: criteria provided, single submitter. Criteria: CeGaT Center For Human Genetics Tuebingen Variant Classification Criteria Version 2. Collection method: clinical testing. Allele origin: germline. Affected: yes. Observed: 1 variant allele.
Comment: GET4: BP4, BP7